The following is an entry in ClinVar:

ClinVar aggregate classification (germline): Uncertain significance (1 of 4 stars; one submission).

Submission:

GeneDx
Classification: Uncertain significance. Last evaluated: 2022-08-29. Review status: criteria provided, single submitter. Criteria: GeneDx Variant Classification Process June 2021. Collection method: clinical testing. Allele origin: germline. Affected: yes.
Comment: Not observed at significant frequency in large population cohorts (gnomAD); In silico analysis supports that this missense variant does not alter protein structure/function; Has not been previously published as pathogenic or benign to our knowledge

NM_020706.2(SCAF4):c.2353A>G (p.Ile785Val)

Gene: SCAF4 (SR-related CTD associated factor 4; minus strand). Cytogenetic location: 21q22.11.
Variant type: single nucleotide variant.
Coding change: c.2353A>G on transcript NM_020706.2 (MANE Select); coding-DNA position 2353, A replaced by G.
Protein change: p.Ile785Val; replaces isoleucine 785 with valine.
Molecular consequence: missense variant. On other transcripts: intron variant (1).
Genome position (GRCh38, 1-based): chr21:31,685,184, T>C on the plus strand (A>G on the coding strand, the complement: SCAF4 is on the minus strand). VCF-style: chr21-31685184-T-C. GRCh37 (hg19) VCF-style: chr21-33057497-T-C.
Other names: c.2308A>G, p.Ile770Val (NM_001145444.1); c.2297-10A>G (NM_001145445.1); short protein forms I770V, I785V.
Identifiers: ClinVar variation 2442564 (VCV002442564.1), dbSNP rs1224081964, ClinGen allele CA410044395.